The following is an entry in ClinVar:

ClinVar aggregate classification (germline): Uncertain significance (1 of 4 stars; one submission).

Conditions:
Inborn genetic diseases. Identifiers: MedGen C0950123, MeSH D030342.

gnomAD v4.1: 3 of 1,614,000 alleles (0.00019%); highest among the groups gnomAD compares: African/African-American, 0.004%; no homozygotes.

Submission:

Ambry Genetics
Classification: Uncertain significance for Inborn genetic diseases. Last evaluated: 2025-05-05. Review status: criteria provided, single submitter. Criteria: Ambry Variant Classification Scheme 2023. Collection method: clinical testing. Allele origin: germline.
Comment: The p.K264T variant (also known as c.791A>C), located in coding exon 7 of the FUS gene, results from an A to C substitution at nucleotide position 791. The lysine at codon 264 is replaced by threonine, an amino acid with similar properties. This amino acid position is conserved. In addition, this alteration is predicted to be deleterious by in silico analysis. Based on the available evidence, the clinical significance of this variant remains unclear.

NM_004960.4(FUS):c.791A>C (p.Lys264Thr)

Gene: FUS (FUS RNA binding protein; plus strand). Cytogenetic location: 16p11.2.
Variant type: single nucleotide variant.
Coding change: c.791A>C on transcript NM_004960.4 (MANE Select); coding-DNA position 791, A replaced by C.
Protein change: p.Lys264Thr; replaces lysine 264 with threonine.
Molecular consequence: missense variant.
Genome position (GRCh38, 1-based): chr16:31,186,828, A>C. VCF-style: chr16-31186828-A-C. GRCh37 (hg19) VCF-style: chr16-31198149-A-C.
Other names: c.788A>C, p.Lys263Thr (NM_001170634.1); c.779A>C, p.Lys260Thr (NM_001170937.1); short protein forms K263T, K264T, K260T.
Identifiers: ClinVar variation 4027288 (VCV004027288.1).